The following is an entry in ClinVar:

ClinVar aggregate classification (germline): Uncertain significance (1 of 4 stars; one submission).

Conditions:
Cardiovascular phenotype. Identifiers: MedGen CN230736.

Submission:

Ambry Genetics
Classification: Uncertain significance for Cardiovascular phenotype. Last evaluated: 2016-08-16. Review status: criteria provided, single submitter. Criteria: Ambry Variant Classification Scheme 2023. Collection method: clinical testing. Allele origin: germline.
Comment: The p.T412N variant (also known as c.1235C>A), located in coding exon 7 of the ACVRL1 gene, results from a C to A substitution at nucleotide position 1235. The threonine at codon 412 is replaced by asparagine, an amino acid with similar properties. This variant was not reported in population based cohorts in the following databases: Database of Single Nucleotide Polymorphisms (dbSNP), NHLBI Exome Sequencing Project (ESP), and 1000 Genomes Project. In the ESP, this variant was not observed in 6503 samples (13006 alleles) with coverage at this position. This amino acid position is highly conserved in available vertebrate species. In addition, the in silico prediction for this alteration is inconclusive. Since supporting evidence is limited at this time, the clinical significance of p.T412N remains unclear.

NM_000020.3(ACVRL1):c.1235C>A (p.Thr412Asn)

Gene: ACVRL1 (activin A receptor like type 1; plus strand). Cytogenetic location: 12q13.13.
Variant type: single nucleotide variant.
Coding change: c.1235C>A on transcript NM_000020.3 (MANE Select); coding-DNA position 1235, C replaced by A.
Protein change: p.Thr412Asn; replaces threonine 412 with asparagine.
Molecular consequence: missense variant.
Genome position (GRCh38, 1-based): chr12:51,916,222, C>A. VCF-style: chr12-51916222-C-A. GRCh37 (hg19) VCF-style: chr12-52310006-C-A.
Other names: c.1235C>A, p.Thr412Asn (NM_001077401.2, NM_001406487.1, NM_001406488.1 and 1 more transcripts); c.923C>A, p.Thr308Asn (NM_001406490.1, NM_001406491.1, NM_001406492.1 and 1 more transcripts); c.671C>A, p.Thr224Asn (NM_001406495.1); short protein forms T224N, T412N, T308N.
Identifiers: ClinVar variation 1756628 (VCV001756628.2), dbSNP rs2540166854, ClinGen allele CA384903047.